The following is an entry in ClinVar:

NM_000553.6(WRN):c.724+1G>A

Gene: WRN (WRN RecQ like helicase; plus strand). Cytogenetic location: 8p12.
Variant type: single nucleotide variant.
Coding change: c.724+1G>A on transcript NM_000553.6 (MANE Select); the canonical splice donor site of the intron after coding-DNA position 724, G replaced by A.
Molecular consequence: splice donor variant.
Genome position (GRCh38, 1-based): chr8:31,068,328, G>A. VCF-style: chr8-31068328-G-A. GRCh37 (hg19) VCF-style: chr8-30925844-G-A.
Identifiers: ClinVar variation 659991 (VCV000659991.6), dbSNP rs1339616347, ClinGen allele CA370917215.

ClinVar aggregate classification (germline): Pathogenic (1 of 4 stars; one submission).

Conditions:
Werner syndrome (WRN). Identifiers: Orphanet 902, MedGen C0043119, MONDO:0010196, OMIM 277700.

Submission:

Labcorp Genetics (formerly Invitae), Labcorp
Classification: Pathogenic for Werner syndrome. Last evaluated: 2023-10-03. Review status: criteria provided, single submitter. Criteria: Invitae Variant Classification Sherloc (09022015). Collection method: clinical testing. Allele origin: germline.
Comment: This sequence change affects a donor splice site in intron 7 of the WRN gene. RNA analysis indicates that disruption of this splice site induces altered splicing and may result in an absent or disrupted protein product. This variant is not present in population databases (gnomAD no frequency). This variant has not been reported in the literature in individuals affected with WRN-related conditions. ClinVar contains an entry for this variant (Variation ID: 659991). Studies have shown that disruption of this splice site results in skipping of exon 7 and introduces a premature termination codon (Invitae). The resulting mRNA is expected to undergo nonsense-mediated decay. For these reasons, this variant has been classified as Pathogenic.